The following is an entry in ClinVar:

ClinVar aggregate classification (germline): Uncertain significance (1 of 4 stars; one submission).

gnomAD v4.1: 21 of 1,613,860 alleles (0.0013%); highest among the groups gnomAD compares: Admixed American, 0.01%; no homozygotes.

Submission:

Labcorp Genetics (formerly Invitae), Labcorp
Classification: Uncertain significance. Last evaluated: 2025-09-24. Review status: criteria provided, single submitter. Criteria: Invitae Variant Classification Sherloc (09022015). Collection method: clinical testing. Allele origin: germline.
Comment: This sequence change replaces asparagine, which is neutral and polar, with serine, which is neutral and polar, at codon 4189 of the MACF1 protein (p.Asn4189Ser). This variant is present in population databases (rs778171394, gnomAD 0.02%). This variant has not been reported in the literature in individuals affected with MACF1-related conditions. An algorithm developed to predict the effect of missense changes on protein structure and function (PolyPhen-2) suggests that this variant is likely to be tolerated. In summary, the available evidence is currently insufficient to determine the role of this variant in disease. Therefore, it has been classified as a Variant of Uncertain Significance.

NM_001394062.1(MACF1):c.18743A>G (p.Asn6248Ser)

Gene: MACF1 (microtubule actin crosslinking factor 1; plus strand). Cytogenetic location: 1p34.3.
Variant type: single nucleotide variant.
Coding change: c.18743A>G on transcript NM_001394062.1 (MANE Select); coding-DNA position 18743, A replaced by G.
Protein change: p.Asn6248Ser; replaces asparagine 6248 with serine.
Molecular consequence: missense variant.
Genome position (GRCh38, 1-based): chr1:39,442,022, A>G. VCF-style: chr1-39442022-A-G. GRCh37 (hg19) VCF-style: chr1-39907694-A-G.
Other names: c.6821A>G, p.Asn2274Ser (NM_001397473.1); c.12566A>G, p.Asn4189Ser (NM_012090.5); short protein forms N4189S, N6248S, N2274S.
Identifiers: ClinVar variation 4736635 (VCV004736635.1).
Genomic context (GRCh38, chr1:39,442,022, plus strand): 5'-ACTGGCTAGATAACACTGTGATTAAACTCTGCACCATGCCCCCTGTTGGCACTGACCTCA[A>G]TACTGTTAAAGATCAGTTAAATGAAATGAAGGTTTGTATCTGGGTATGGCTTTTGAAGAA-3'
Protein context (NP_001380991.1, residues 6238-6258): CTMPPVGTDL[Asn6248Ser]TVKDQLNEMK